The following is an entry in ClinVar:

ClinVar aggregate classification (germline): Pathogenic (1 of 4 stars; one submission).

Submission:

Labcorp Genetics (formerly Invitae), Labcorp
Classification: Pathogenic. Last evaluated: 2022-09-22. Review status: criteria provided, single submitter. Criteria: Invitae Variant Classification Sherloc (09022015). Collection method: clinical testing. Allele origin: germline.
Comment: This variant is a gross deletion of the genomic region encompassing exon(s) 1 of the CLRN1 gene, which includes the initiator codon. This deletion extends beyond the assayed region for this gene and therefore may encompass additional genes. It is expected to result in an absent or disrupted protein product. Loss-of-function variants in CLRN1 are known to be pathogenic (PMID: 11524702, 24498627). This variant has not been reported in the literature in individuals affected with CLRN1-related conditions. For these reasons, this variant has been classified as Pathogenic.

Literature cited by the submitters: PubMed 11524702; PubMed 24498627.

NC_000003.12:g.(?_150972446)_(150973009_?)del

Genes: CLRN1 (clarin 1; minus strand), CLRN1-AS1 (CLRN1 antisense RNA 1; plus strand). Cytogenetic location: 3q25.1.
Variant type: Deletion.
Identifiers: ClinVar variation 642630 (VCV000642630.6).